The following is an entry in ClinVar:

NM_000465.4(BARD1):c.773T>C (p.Ile258Thr)

Gene: BARD1 (BRCA1 associated RING domain 1; minus strand). Cytogenetic location: 2q35.
Variant type: single nucleotide variant.
Coding change: c.773T>C on transcript NM_000465.4 (MANE Select); coding-DNA position 773, T replaced by C.
Protein change: p.Ile258Thr; replaces isoleucine 258 with threonine.
Molecular consequence: missense variant. On other transcripts: non-coding transcript variant (2), intron variant (3).
Genome position (GRCh38, 1-based): chr2:214,781,101, A>G on the plus strand (T>C on the coding strand, the complement: BARD1 is on the minus strand). VCF-style: chr2-214781101-A-G. GRCh37 (hg19) VCF-style: chr2-215645825-A-G.
Other names: NP_000456.2:p.Ile258Thr; c.716T>C, p.Ile239Thr (NM_001282543.2); c.158+28311T>C (NM_001282548.2); c.215+15960T>C (NM_001282545.2); c.364+11196T>C (NM_001282549.2); short protein forms I258T, I239T.
Identifiers: ClinVar variation 140875 (VCV000140875.31), dbSNP rs146223579, ClinGen allele CA333165.

ClinVar aggregate classification (germline): Conflicting classifications of pathogenicity. Review status: criteria provided, conflicting classifications (1 of 4 stars). 12 submissions from 12 submitters: Uncertain significance (1); Benign (6); Likely benign (4). 1 of the submissions does not count toward it. Last evaluated 2026-02-04.

Conditions:
BARD1-related cancer predisposition. Identifiers: MedGen CN377756, MONDO:0700267.
Hereditary cancer-predisposing syndrome. Also called: Neoplastic Syndromes, Hereditary; Tumor predisposition; Hereditary Cancer Syndrome; Hereditary neoplastic syndrome. Identifiers: Orphanet 140162, MedGen C0027672, MeSH D009386, MONDO:0015356.
Hereditary breast ovarian cancer syndrome. Also called: Breast and ovarian cancer; Hereditary breast and ovarian cancer; Hereditary breast and/or ovarian cancer syndrome; BRCA1- and BRCA2-Associated Hereditary Breast and Ovarian Cancer; Hereditary breast and ovarian cancer syndrome; Hereditary breast and ovarian cancer syndrome (HBOC). Identifiers: Orphanet 145, MedGen C0677776, MeSH D061325, MONDO:0003582. Disease mechanism: loss of function.
Familial cancer of breast. Also called: BREAST CANCER, FAMILIAL; Hereditary breast cancer; hereditary breast carcinoma. Identifiers: Orphanet 227535, MedGen C0346153, MONDO:0016419, OMIM 114480. Disease mechanism: loss of function.

Allele frequency attached by ClinVar (database versions not stated): gnomAD 0.00004 and 0.00023; TOPMed 0.00006; gnomAD exomes 0.00029 and 0.00066; ExAC 0.00069; 1000 Genomes Project 30x 0.00172; 1000 Genomes Project 0.00200.
gnomAD v4.1: 458 of 1,584,878 alleles (0.029%); highest among the groups gnomAD compares: South Asian, 0.46%; 7 homozygotes.

Submissions (12):

Labcorp Genetics (formerly Invitae), Labcorp
Classification: Benign for Familial cancer of breast. Last evaluated: 2026-02-04. Review status: criteria provided, single submitter. Criteria: Invitae Variant Classification Sherloc (09022015). Collection method: clinical testing. Allele origin: germline.

Department of Pathology and Laboratory Medicine, Sinai Health System
Classification: Likely benign for BARD1-related cancer predisposition. Last evaluated: 2023-06-28. Review status: criteria provided, single submitter. Criteria: ACMG Guidelines, 2015. Collection method: clinical testing. Allele origin: germline. Affected: no.

Myriad Genetics, Inc.
Classification: Benign for Familial cancer of breast. Last evaluated: 2023-02-24. Review status: criteria provided, single submitter. Criteria: Myriad Autosomal Dominant, Autosomal Recessive and X-Linked Classification Criteria (2023). Collection method: clinical testing. Allele origin: unknown.
Comment: This variant is considered benign. This variant has been observed at a population frequency that is significantly greater than expected given the associated disease prevalence and penetrance. This variant is strongly associated with less severe personal and family histories of cancer, typical for individuals without pathogenic variants in this gene [PMID: 25085752].

National Health Laboratory Service, Universitas Academic Hospital and University of the Free State
Classification: Likely benign for Hereditary breast ovarian cancer syndrome. Last evaluated: 2022-04-19. Review status: criteria provided, single submitter. Criteria: ACMG Guidelines, 2015. Collection method: clinical testing. Allele origin: germline. Affected: yes. Observed: 1 variant allele.

Cancer Genomics Group, Japanese Foundation For Cancer Research
Classification: Uncertain significance for Hereditary breast ovarian cancer syndrome. Last evaluated: 2022-03-30. Review status: criteria provided, single submitter. Criteria: ACMG Guidelines, 2015. Collection method: research. Allele origin: germline. Affected: yes.

Sema4
Classification: Benign for Hereditary cancer-predisposing syndrome. Last evaluated: 2021-03-01. Review status: criteria provided, single submitter. Criteria: Sema4 Curation Guidelines. Collection method: curation. Allele origin: germline.

GeneDx
Classification: Likely benign. Last evaluated: 2020-09-18. Review status: criteria provided, single submitter. Criteria: GeneDx Variant Classification Process June 2021. Collection method: clinical testing. Allele origin: germline. Affected: yes.
Comment: This variant is associated with the following publications: (PMID: 26315354, 27978560, 23056176, 30925164)

Ambry Genetics
Classification: Likely benign for Hereditary cancer-predisposing syndrome. Last evaluated: 2019-03-14. Review status: criteria provided, single submitter. Criteria: Ambry Variant Classification Scheme 2023. Collection method: clinical testing. Allele origin: germline.

Quest Diagnostics Nichols Institute San Juan Capistrano
Classification: Benign. Last evaluated: 2018-02-19. Review status: criteria provided, single submitter. Criteria: Quest Diagnostics criteria. Collection method: clinical testing. Allele origin: germline.

Color Diagnostics, LLC DBA Color Health
Classification: Benign for Hereditary cancer-predisposing syndrome. Last evaluated: 2016-05-02. Review status: criteria provided, single submitter. Criteria: ACMG Guidelines, 2015. Collection method: clinical testing. Allele origin: germline.

Women's Health and Genetics/Laboratory Corporation of America, LabCorp
Classification: Benign. Last evaluated: 2016-02-01. Review status: criteria provided, single submitter. Criteria: LabCorp Variant Classification Summary - May 2015. Collection method: clinical testing. Allele origin: germline.
Comment: Variant summary: BARD1 c.773T>C variant affects a non-conserved nucleotide, resulting in amino acid change from Ile to Thr. 3/4 in-silico tools predict this variant to be benign (SNPs&GO not captured due to low reliability index). This variant is found in 80/122240 control chromosomes (1 homozygote) at a frequency of 0.0006545, which is about 3 times of maximal expected frequency of a pathogenic allele (0.0002188); and the variant is 26 fold higher in South Asians, highly suggesting this variant is a benign polymorphism found in South Asians. Additionally, at least one diagnostic clinical lab has classified this variant as likely benign. Taken together, this variant was classified as benign.

Counsyl
Classification: Uncertain significance for Familial cancer of breast. Last evaluated: 2017-02-06. Review status: no assertion criteria provided. Collection method: clinical testing. Allele origin: unknown. Not counted in ClinVar's aggregate classification.

Literature cited by the submitters: PubMed 27978560 (cited by Department of Pathology and Laboratory Medicine, Sinai Health System); PubMed 26315354 (cited by Department of Pathology and Laboratory Medicine, Sinai Health System and Women's Health and Genetics/Laboratory Corporation of America, LabCorp); PubMed 30925164 (cited by Department of Pathology and Laboratory Medicine, Sinai Health System); PubMed 25085752 (cited by Myriad Genetics, Inc.); PubMed 12832489 (cited by Ambry Genetics); PubMed 23056176 (cited by Ambry Genetics and Women's Health and Genetics/Laboratory Corporation of America, LabCorp).